The following is an entry in ClinVar:

NM_000243.3(MEFV):c.1759+99del

Genes: MEFV (MEFV innate immunity regulator, pyrin; minus strand), LOC126862264 (CDK7 strongly-dependent group 2 enhancer GRCh37_chr16:3293322-3294521; plus strand). Cytogenetic location: 16p13.3.
Variant type: Deletion.
Coding change: c.1759+99del on transcript NM_000243.3 (MANE Select); 99 bases into the intron after coding-DNA position 1759, one base deleted (A; older notation c.1759+99delA).
Molecular consequence: intron variant.
Genome position (GRCh38, 1-based): chr16:3,244,155, T deleted on the plus strand (A on the coding strand, the reverse complement: MEFV is on the minus strand); the first of 11 consecutive T bases (chr16:3,244,155-3,244,165); deleting any one gives the same sequence. VCF-style (leftmost placement, unchanged base first): chr16-3244154-GT-G. GRCh37 (hg19) VCF-style: chr16-3294154-GT-G.
Other names: c.1127-88del (NM_001198536.2).
Identifiers: ClinVar variation 1283517 (VCV001283517.4), dbSNP rs3974658, ClinGen allele CA7859985.
Genomic context (GRCh38, chr16:3,244,154, plus strand): 5'-CACGCACAGAGCCTGGGGGGCCTGCCATGACCTTTCTCCTACCTTTGCTCCAGGTGTTTG[GT>G]TTTTTTTTTTGTCTTCTAAATAGGGCCCCTCAAGTCAACAGCACAAGGGAACACTGCAAC-3'

ClinVar aggregate classification (germline): Benign/Likely benign. Review status: criteria provided, multiple submitters, no conflicts (2 of 4 stars). 3 submissions from 3 submitters: Benign (2); Likely benign (1). Last evaluated 2023-11-12.

Submissions (3):

Unidad de Genómica Garrahan, Hospital de Pediatría Garrahan
Classification: Benign. Last evaluated: 2023-11-12. Review status: criteria provided, single submitter. Criteria: ACMG Guidelines, 2015. Collection method: clinical testing. Allele origin: germline. Affected: no. Observed: 80 variant alleles.
Comment: This variant is classified as Benign based on local population frequency. This variant was detected in 83% of patients studied by a panel of primary immunodeficiencies. Number of patients: 80. Only high quality variants are reported.

GeneDx
Classification: Benign. Last evaluated: 2019-08-18. Review status: criteria provided, single submitter. Criteria: GeneDx Variant Classification Process June 2021. Collection method: clinical testing. Allele origin: germline. Affected: yes.

Blueprint Genetics
Classification: Likely benign. Last evaluated: 2018-07-04. Review status: criteria provided, single submitter. Criteria: ACMG Guidelines, 2015. Collection method: clinical testing. Allele origin: germline.